The following is an entry in ClinVar:

ClinVar aggregate classification (germline): Uncertain significance (1 of 4 stars; one submission).

Allele frequency attached by ClinVar (database versions not stated): gnomAD exomes below 0.00001.
gnomAD v4.1: 2 of 1,613,622 alleles (0.00012%); highest among the groups gnomAD compares: Non-Finnish European, 0.00017%; no homozygotes.

Submission:

GeneDx
Classification: Uncertain significance. Last evaluated: 2023-12-12. Review status: criteria provided, single submitter. Criteria: GeneDx Variant Classification Process June 2021. Collection method: clinical testing. Allele origin: germline. Affected: yes.
Comment: Not observed at significant frequency in large population cohorts (gnomAD); In silico analysis supports that this missense variant has a deleterious effect on protein structure/function; Has not been previously published as pathogenic or benign to our knowledge

NM_001256012.3(MYH10):c.3997A>G (p.Lys1333Glu)

Gene: MYH10 (myosin heavy chain 10; minus strand). Cytogenetic location: 17p13.1.
Variant type: single nucleotide variant.
Coding change: c.3997A>G on transcript NM_001256012.3 (MANE Select); coding-DNA position 3997, A replaced by G.
Protein change: p.Lys1333Glu; replaces lysine 1333 with glutamic acid.
Molecular consequence: missense variant.
Genome position (GRCh38, 1-based): chr17:8,495,196, T>C on the plus strand (A>G on the coding strand, the complement: MYH10 is on the minus strand). VCF-style: chr17-8495196-T-C. GRCh37 (hg19) VCF-style: chr17-8398514-T-C.
Other names: c.3931A>G, p.Lys1311Glu (NM_001256095.2); c.3934A>G, p.Lys1312Glu (NM_001375266.1); c.3904A>G, p.Lys1302Glu (NM_005964.5); short protein forms K1302E, K1311E, K1312E, K1333E.
Identifiers: ClinVar variation 3253432 (VCV003253432.1), dbSNP rs2544245700.
Genomic context (GRCh38, chr17:8,495,196, plus strand): 5'-CCTGTGTATCCTGTAGTTGAGACTCAAGACTAGCTGCATCCTTAGCAAATTTAATACCCT[T>C]CTTCTCTGCTTCTTCCAGAAGGGTGGAGACATTATCTAGCTCATTCTGTAAGGAGCAGAA-3'
Protein context (NP_001242941.1, residues 1323-1343): VSTLLEEAEK[Lys1333Glu]GIKFAKDAAS